The following is an entry in ClinVar:

ClinVar aggregate classification (germline): Uncertain significance (1 of 4 stars; one submission).

Conditions:
Hyper-IgE recurrent infection syndrome 1, autosomal dominant. Also called: JOB SYNDROME; Job's Syndrome; STAT3 Hyper IgE Syndrome; Hyper-IgE recurrent infection syndrome 1; HYPER-IgE SYNDROME 1, AUTOSOMAL DOMINANT, WITH RECURRENT INFECTIONS. Identifiers: Orphanet 2314, MedGen C2936739, MONDO:0007818, OMIM 147060.
STAT3 gain of function. Identifiers: MedGen C4288261.

Submission:

Labcorp Genetics (formerly Invitae), Labcorp
Classification: Uncertain significance for STAT3 gain of function; Hyper-IgE recurrent infection syndrome 1, autosomal dominant. Last evaluated: 2022-08-08. Review status: criteria provided, single submitter. Criteria: Invitae Variant Classification Sherloc (09022015). Collection method: clinical testing. Allele origin: germline.
Comment: In summary, the available evidence is currently insufficient to determine the role of this variant in disease. Therefore, it has been classified as a Variant of Uncertain Significance. Algorithms developed to predict the effect of missense changes on protein structure and function are either unavailable or do not agree on the potential impact of this missense change (SIFT: "Deleterious"; PolyPhen-2: "Benign"; Align-GVGD: "Class C0"). This variant has not been reported in the literature in individuals affected with STAT3-related conditions. This variant is not present in population databases (gnomAD no frequency). This sequence change replaces aspartic acid, which is acidic and polar, with asparagine, which is neutral and polar, at codon 157 of the STAT3 protein (p.Asp157Asn).

NM_139276.3(STAT3):c.469G>A (p.Asp157Asn)

Gene: STAT3 (signal transducer and activator of transcription 3; minus strand). Cytogenetic location: 17q21.2.
Variant type: single nucleotide variant.
Coding change: c.469G>A on transcript NM_139276.3 (MANE Select); coding-DNA position 469, G replaced by A.
Protein change: p.Asp157Asn; replaces aspartic acid 157 with asparagine.
Molecular consequence: missense variant.
Genome position (GRCh38, 1-based): chr17:42,338,812, C>T on the plus strand (G>A on the coding strand, the complement: STAT3 is on the minus strand). VCF-style: chr17-42338812-C-T. GRCh37 (hg19) VCF-style: chr17-40490830-C-T.
Other names: c.469G>A, p.Asp157Asn (NM_001369512.1, NM_001369513.1, NM_001369514.1 and 15 more transcripts); c.391G>A, p.Asp131Asn (NM_001384985.1); c.373G>A, p.Asp125Asn (NM_001384989.1); short protein forms D125N, D131N, D157N.
Identifiers: ClinVar variation 1715704 (VCV001715704.6), dbSNP rs2509448109, ClinGen allele CA399594892.